The following is an entry in ClinVar:

ClinVar aggregate classification (germline): Likely benign. Review status: criteria provided, multiple submitters, no conflicts (2 of 4 stars). 4 submissions from 4 submitters: Likely benign (4). Last evaluated 2026-06-22.

Conditions:
Autosomal recessive severe congenital neutropenia due to CSF3R deficiency. Also called: Neutropenia, severe congenital, 7, autosomal recessive. Identifiers: Orphanet 420702, MedGen C4310764, MONDO:0014865, OMIM 617014.
CSF3R-related disorder. Also called: CSF3R-related condition.

Allele frequency attached by ClinVar (database versions not stated): gnomAD exomes 0.00004 and 0.00006; ExAC 0.00006; gnomAD 0.00006 and 0.00007; TOPMed 0.00008.
gnomAD v4.1: 96 of 1,614,052 alleles (0.0059%); highest among the groups gnomAD compares: South Asian, 0.0066%; no homozygotes.

Submissions (4):

PreventionGenetics, part of Exact Sciences
Classification: Likely benign for CSF3R-related condition. Last evaluated: 2026-06-22. Review status: criteria provided, single submitter. Criteria: ACMG Guidelines, 2015. Collection method: clinical testing. Allele origin: germline.
Comment: This variant is classified as likely benign based on ACMG/AMP sequence variant interpretation guidelines (Richards et al. 2015 PMID: 25741868, with internal and published modifications).

Labcorp Genetics (formerly Invitae), Labcorp
Classification: Likely benign for Autosomal recessive severe congenital neutropenia due to CSF3R deficiency. Last evaluated: 2025-08-13. Review status: criteria provided, single submitter. Criteria: Invitae Variant Classification Sherloc (09022015). Collection method: clinical testing. Allele origin: germline.

Blueprint Genetics
Classification: Likely benign. Last evaluated: 2024-01-23. Review status: criteria provided, single submitter. Criteria: ACMG Guidelines, 2015. Collection method: clinical testing. Allele origin: germline.

Breakthrough Genomics
Classification: Likely benign. Review status: criteria provided, single submitter. Criteria: ACMG Guidelines, 2015. Collection method: not provided. Allele origin: germline. Inheritance: Autosomal recessive inheritance. Affected: yes.

NM_000760.4(CSF3R):c.2118G>A (p.Pro706=)

Gene: CSF3R (colony stimulating factor 3 receptor; minus strand). Cytogenetic location: 1p34.3.
Variant type: single nucleotide variant.
Coding change: c.2118G>A on transcript NM_000760.4 (MANE Select); coding-DNA position 2118, G replaced by A.
Protein change: p.Pro706=; no amino-acid change (proline 706 retained).
Molecular consequence: synonymous variant.
Genome position (GRCh38, 1-based): chr1:36,466,750, C>T on the plus strand (G>A on the coding strand, the complement: CSF3R is on the minus strand). VCF-style: chr1-36466750-C-T. GRCh37 (hg19) VCF-style: chr1-36932351-C-T.
Other names: c.2199G>A, p.Pro733= (NM_156039.3); c.2118G>A, p.Pro706= (NM_172313.3).
Identifiers: ClinVar variation 757592 (VCV000757592.13), dbSNP rs776938018, ClinGen allele CA768948.